The following is an entry in ClinVar:

ClinVar aggregate classification (germline): Uncertain significance (1 of 4 stars; one submission).

Conditions:
Congenital disorder of glycosylation, type Iaa. Also called: Congenital disorder of glycosylation, type 1aa. Identifiers: MedGen C4310727, MONDO:0014904, OMIM 617082.

Allele frequency attached by ClinVar (database versions not stated): TOPMed below 0.00001; gnomAD exomes 0.00001; ExAC 0.00002.

Submission:

Labcorp Genetics (formerly Invitae), Labcorp
Classification: Uncertain significance for Congenital disorder of glycosylation, type Iaa. Last evaluated: 2023-05-04. Review status: criteria provided, single submitter. Criteria: Invitae Variant Classification Sherloc (09022015). Collection method: clinical testing. Allele origin: germline.
Comment: ClinVar contains an entry for this variant (Variation ID: 1974071). This variant has not been reported in the literature in individuals affected with NUS1-related conditions. This variant is present in population databases (rs755890798, gnomAD 0.01%). This sequence change replaces methionine, which is neutral and non-polar, with threonine, which is neutral and polar, at codon 149 of the NUS1 protein (p.Met149Thr). In summary, the available evidence is currently insufficient to determine the role of this variant in disease. Therefore, it has been classified as a Variant of Uncertain Significance. An algorithm developed to predict the effect of missense changes on protein structure and function (PolyPhen-2) suggests that this variant is likely to be disruptive.

NM_138459.5(NUS1):c.446T>C (p.Met149Thr)

Gene: NUS1 (NUS1 dehydrodolichyl diphosphate synthase subunit; plus strand). Cytogenetic location: 6q22.1.
Variant type: single nucleotide variant.
Coding change: c.446T>C on transcript NM_138459.5 (MANE Select); coding-DNA position 446, T replaced by C.
Protein change: p.Met149Thr; replaces methionine 149 with threonine.
Molecular consequence: missense variant.
Genome position (GRCh38, 1-based): chr6:117,693,072, T>C. VCF-style: chr6-117693072-T-C. GRCh37 (hg19) VCF-style: chr6-118014235-T-C.
Other names: short protein forms M149T.
Identifiers: ClinVar variation 1974071 (VCV001974071.5), dbSNP rs755890798, ClinGen allele CA3977106.